The following is an entry in ClinVar:

NM_003107.3(SOX4):c.1166C>G (p.Ser389Cys)

Gene: SOX4 (SRY-box transcription factor 4; plus strand). Cytogenetic location: 6p22.3.
Variant type: single nucleotide variant.
Coding change: c.1166C>G on transcript NM_003107.3 (MANE Select); coding-DNA position 1166, C replaced by G.
Protein change: p.Ser389Cys; replaces serine 389 with cysteine.
Molecular consequence: missense variant.
Genome position (GRCh38, 1-based): chr6:21,595,700, C>G. VCF-style: chr6-21595700-C-G. GRCh37 (hg19) VCF-style: chr6-21595931-C-G.
Other names: short protein forms S389C.
Identifiers: ClinVar variation 3369910 (VCV003369910.1).

ClinVar aggregate classification (germline): Uncertain significance (1 of 4 stars; one submission).

Submission:

GeneDx
Classification: Uncertain significance. Last evaluated: 2024-03-05. Review status: criteria provided, single submitter. Criteria: GeneDx Variant Classification Process June 2021. Collection method: clinical testing. Allele origin: germline. Affected: yes.
Comment: Not observed at significant frequency in large population cohorts (gnomAD); In silico analysis supports that this missense variant does not alter protein structure/function; Has not been previously published as pathogenic or benign to our knowledge